The following is an entry in ClinVar:

ClinVar aggregate classification (germline): Uncertain significance. Review status: criteria provided, multiple submitters, no conflicts (2 of 4 stars). 7 submissions from 7 submitters: Uncertain significance (7). Last evaluated 2025-11-11.

Conditions:
DSP-related disorder. Also called: DSP-related disorders; DSP-related condition.
Cardiovascular phenotype. Identifiers: MedGen CN230736.
Cardiomyopathy, dilated, with wooly hair, keratoderma, and tooth agenesis. Also called: Cardiomyopathy, dilated, with woolly hair, keratoderma, and tooth agenesis; Erythrokeratodermia-cardiomyopathy syndrome. Identifiers: Orphanet 476096, Orphanet 65282, MedGen C4014393, MONDO:0014355, OMIM 615821.
Woolly hair-skin fragility syndrome (WHSF). Identifiers: Orphanet 293165, MedGen C1843292, MONDO:0957307, OMIM 620415.
Lethal acantholytic epidermolysis bullosa (EBLA). Identifiers: Orphanet 158687, MedGen C1864826, MONDO:0012323, OMIM 609638.
Arrhythmogenic cardiomyopathy with wooly hair and keratoderma. Also called: PALMOPLANTAR KERATODERMA WITH LEFT VENTRICULAR CARDIOMYOPATHY AND WOOLLY HAIR; Carvajal syndrome; Arrhythmogenic cardiomyopathy with woolly hair and keratoderma; Dilated cardiomyopathy with woolly hair and keratoderma. Identifiers: Orphanet 65282, MedGen C1854063, MONDO:0011581, OMIM 605676.
Keratosis palmoplantaris striata 2. Also called: KERATODERMA, PALMOPLANTAR, STRIATE FORM II; STRIATE PALMOPLANTAR KERATODERMA II; Keratosis palmoplantaris striata II. Identifiers: MedGen C1852127, MONDO:0013034, OMIM 612908.
Arrhythmogenic right ventricular dysplasia 8 (ARVD8). Also called: ARRHYTHMOGENIC RIGHT VENTRICULAR DYSPLASIA, FAMILIAL, 8; ARRHYTHMOGENIC RIGHT VENTRICULAR CARDIOMYOPATHY 8; Arrhythmogenic Right Ventricular Dysplasia/Cardiomyopathy 8. Identifiers: MedGen C1843896, MONDO:0011831, OMIM 607450.
Cardiomyopathy (CMYO). Also called: Cardiomyopathies. Identifiers: Orphanet 167848, MedGen C0878544, MONDO:0004994, HP:0001638. Inheritance: Various modes of inheritance.

Allele frequency attached by ClinVar (database versions not stated): gnomAD exomes below 0.00001; ESP Exome Variant Server 0.00008.

Submissions (7):

Labcorp Genetics (formerly Invitae), Labcorp
Classification: Uncertain significance for Arrhythmogenic cardiomyopathy with wooly hair and keratoderma; Arrhythmogenic right ventricular dysplasia 8. Last evaluated: 2025-11-11. Review status: criteria provided, single submitter. Criteria: Invitae Variant Classification Sherloc (09022015). Collection method: clinical testing. Allele origin: germline.
Comment: This sequence change replaces phenylalanine, which is neutral and non-polar, with valine, which is neutral and non-polar, at codon 2493 of the DSP protein (p.Phe2493Val). This variant is not present in population databases (gnomAD no frequency). This missense change has been observed in individual(s) with hypertrophic cardiomyopathy: (PMID: 32746448). ClinVar contains an entry for this variant (Variation ID: 422621). An algorithm developed to predict the effect of missense changes on protein structure and function (PolyPhen-2) suggests that this variant is likely to be disruptive. In summary, the available evidence is currently insufficient to determine the role of this variant in disease. Therefore, it has been classified as a Variant of Uncertain Significance.

Ambry Genetics
Classification: Uncertain significance for Cardiovascular phenotype. Last evaluated: 2025-06-22. Review status: criteria provided, single submitter. Criteria: Ambry Variant Classification Scheme 2023. Collection method: clinical testing. Allele origin: germline.

GeneDx
Classification: Uncertain significance. Last evaluated: 2025-05-14. Review status: criteria provided, single submitter. Criteria: GeneDx Variant Classification Process June 2021. Collection method: clinical testing. Allele origin: germline. Affected: yes.
Comment: Not observed at significant frequency in large population cohorts (gnomAD); In silico analysis supports that this missense variant has a deleterious effect on protein structure/function; Reported in published literature in an individual with pediatric cardiomyopathy who harbored additional cardiogenetic variants (PMID: 32746448, 37923198); This variant is associated with the following publications: (PMID: 32746448, 37923198)

PreventionGenetics, part of Exact Sciences
Classification: Uncertain significance for DSP-related condition. Last evaluated: 2025-03-14. Review status: criteria provided, single submitter. Criteria: ACMG Guidelines, 2015. Collection method: clinical testing. Allele origin: germline.
Comment: The DSP c.7477T>G variant is predicted to result in the amino acid substitution p.Phe2493Val. This variant has been reported as a variant of uncertain significance in an individual with hypertrophic cardiomyopathy; however, this individual also carried a pathogenic variant in the GLA gene which could potentially explain the phenotypes (Table S2, Burstein et al. 2021. PubMed ID: 32746448). This variant is reported in 0.00088% of alleles in individuals of European (Non-Finnish) descent in gnomAD. At this time, the clinical significance of this variant is uncertain due to the absence of conclusive functional and genetic evidence.

All of Us Research Program, National Institutes of Health
Classification: Uncertain significance for Arrhythmogenic cardiomyopathy with wooly hair and keratoderma. Last evaluated: 2023-11-02. Review status: criteria provided, single submitter. Criteria: ACMG Guidelines, 2015. Collection method: clinical testing. Allele origin: germline. Inheritance: Autosomal dominant inheritance. Observed: 2 variant alleles, 2 heterozygotes.
Comment: This missense variant replaces phenylalanine with valine at codon 2493 of the DSP protein. Computational prediction is inconclusive regarding the impact of this variant on protein structure and function (internally defined REVEL score threshold 0.5 < inconclusive < 0.7, PMID: 27666373). To our knowledge, functional studies have not been reported for this variant. This variant has been reported in an individual affected with hypertrophic cardiomyopathy, who also carried a pathogenic variant in the GLA gene that could explain the observed phenotype (PMID: 32746448). This variant has been identified in 1/251472 chromosomes in the general population by the Genome Aggregation Database (gnomAD). The available evidence is insufficient to determine the role of this variant in disease conclusively. Therefore, this variant is classified as a Variant of Uncertain Significance.

This study involves interpretation of variants in research participants for the purpose of population health screening. Participant phenotype was not available at the time of variant classification. Additional details can be found in publication PMID: 35346344, PMCID: PMC8962531

Color Diagnostics, LLC DBA Color Health
Classification: Uncertain significance for Cardiomyopathy. Last evaluated: 2023-09-15. Review status: criteria provided, single submitter. Criteria: ACMG Guidelines, 2015. Collection method: clinical testing. Allele origin: germline.
Comment: This missense variant replaces phenylalanine with valine at codon 2493 of the DSP protein. Computational prediction is inconclusive regarding the impact of this variant on protein structure and function (internally defined REVEL score threshold 0.5 < inconclusive < 0.7, PMID: 27666373). To our knowledge, functional studies have not been reported for this variant. This variant has been reported in an individual affected with hypertrophic cardiomyopathy, who also carried a pathogenic variant in the GLA gene that could explain the observed phenotype (PMID: 32746448). This variant has been identified in 1/251472 chromosomes in the general population by the Genome Aggregation Database (gnomAD). The available evidence is insufficient to determine the role of this variant in disease conclusively. Therefore, this variant is classified as a Variant of Uncertain Significance.

Fulgent Genetics
Classification: Uncertain significance for Arrhythmogenic cardiomyopathy with wooly hair and keratoderma; Arrhythmogenic right ventricular dysplasia 8; Lethal acantholytic epidermolysis bullosa; Keratosis palmoplantaris striata 2; Cardiomyopathy, dilated, with wooly hair, keratoderma, and tooth agenesis. Last evaluated: 2021-10-14. Review status: criteria provided, single submitter. Criteria: ACMG Guidelines, 2015. Collection method: clinical testing. Allele origin: unknown.

Literature cited by the submitters: PubMed 32746448 (cited by 3 submitters).

NM_004415.4(DSP):c.7477T>G (p.Phe2493Val)

Gene: DSP (desmoplakin; plus strand). Cytogenetic location: 6p24.3.
Variant type: single nucleotide variant.
Coding change: c.7477T>G on transcript NM_004415.4 (MANE Select); coding-DNA position 7477, T replaced by G.
Protein change: p.Phe2493Val; replaces phenylalanine 2493 with valine.
Molecular consequence: missense variant.
Genome position (GRCh38, 1-based): chr6:7,584,739, T>G. VCF-style: chr6-7584739-T-G. GRCh37 (hg19) VCF-style: chr6-7584972-T-G.
Other names: c.7477T>G (LRG_423t1, NM_004415.3); c.5680T>G, p.Phe1894Val (NM_001008844.3); c.6148T>G, p.Phe2050Val (NM_001319034.2); short protein forms F2493V, F2050V, F1894V.
Identifiers: ClinVar variation 422621 (VCV000422621.17), dbSNP rs138798656, ClinGen allele CA16618327.
Genomic context (GRCh38, chr6:7,584,739, plus strand): 5'-ACCAATAAAGAAATGTCTGTTCAGGAGGCCTACAAGAAGGGCCTAATTGATTATGAAACC[T>G]TCAAAGAACTGTGTGAGCAGGAATGTGAATGGGAAGAAATAACCATCACGGGATCAGATG-3'
Protein context (NP_004406.2, residues 2483-2503): YKKGLIDYET[Phe2493Val]KELCEQECEW